The following is an entry in ClinVar:

NM_004525.3(LRP2):c.1103G>A (p.Arg368His)

Gene: LRP2 (LDL receptor related protein 2; minus strand). Cytogenetic location: 2q31.1.
Variant type: single nucleotide variant.
Coding change: c.1103G>A on transcript NM_004525.3 (MANE Select); coding-DNA position 1103, G replaced by A.
Protein change: p.Arg368His; replaces arginine 368 with histidine.
Molecular consequence: missense variant.
Genome position (GRCh38, 1-based): chr2:169,282,941, C>T on the plus strand (G>A on the coding strand, the complement: LRP2 is on the minus strand). VCF-style: chr2-169282941-C-T. GRCh37 (hg19) VCF-style: chr2-170139451-C-T.
Other names: c.1103G>A (NM_004525.2); short protein forms R368H.
Identifiers: ClinVar variation 1439248 (VCV001439248.4), dbSNP rs138667752, ClinGen allele CA1955649.

ClinVar aggregate classification (germline): Conflicting classifications of pathogenicity. Review status: criteria provided, conflicting classifications (1 of 4 stars). 2 submissions from 2 submitters: Uncertain significance (1); Likely benign (1). Last evaluated 2024-01-30.

Conditions:
Inborn genetic diseases. Identifiers: MedGen C0950123, MeSH D030342.

Allele frequency attached by ClinVar (database versions not stated): gnomAD 0.00002 and 0.00003; TOPMed 0.00002; ExAC 0.00004; gnomAD exomes 0.00004; ESP Exome Variant Server 0.00008.
gnomAD v4.1: 68 of 1,613,842 alleles (0.0042%); highest among the groups gnomAD compares: South Asian, 0.013%; 1 homozygote.

Submissions (2):

Ambry Genetics
Classification: Likely benign for Inborn genetic diseases. Last evaluated: 2024-01-30. Review status: criteria provided, single submitter. Criteria: Ambry Variant Classification Scheme 2023. Collection method: clinical testing. Allele origin: germline.

Labcorp Genetics (formerly Invitae), Labcorp
Classification: Uncertain significance. Last evaluated: 2021-12-01. Review status: criteria provided, single submitter. Criteria: Invitae Variant Classification Sherloc (09022015). Collection method: clinical testing. Allele origin: germline.
Comment: This sequence change replaces arginine, which is basic and polar, with histidine, which is basic and polar, at codon 368 of the LRP2 protein (p.Arg368His). This variant is present in population databases (rs138667752, gnomAD 0.02%). This variant has not been reported in the literature in individuals affected with LRP2-related conditions. Advanced modeling of protein sequence and biophysical properties (such as structural, functional, and spatial information, amino acid conservation, physicochemical variation, residue mobility, and thermodynamic stability) performed at Invitae indicates that this missense variant is not expected to disrupt LRP2 protein function. In summary, the available evidence is currently insufficient to determine the role of this variant in disease. Therefore, it has been classified as a Variant of Uncertain Significance.